The following is an entry in ClinVar:

ClinVar aggregate classification (germline): Likely pathogenic (1 of 4 stars; one submission).

Submission:

Athena Diagnostics
Classification: Likely pathogenic. Last evaluated: 2021-09-24. Review status: criteria provided, single submitter. Criteria: Athena Diagnostics Criteria. Collection method: clinical testing. Allele origin: unknown.
Comment: This deletion variant is predicted to maintain the open reading frame. However, due to the altered protein length, this is predicted to result in abnormal protein function. Similar variants have not been reported in large, multi-ethnic general populations. Deletion of exons 49-55 has not been reported in the literature. Other in-frame deletions in this region (e.g. exons 49-53) have been reported in multiple patients with dystrophinopathy-related diseases.

Single allele

Gene: DMD (dystrophin; minus strand). Cytogenetic location: Xp21.1.
Variant type: Deletion.
Identifiers: ClinVar variation 1807264 (VCV001807264.1).